The following is an entry in ClinVar:

NM_001193315.2(VIPAS39):c.763-5T>C

Gene: VIPAS39 (VPS33B interacting protein, apical-basolateral polarity regulator, spe-39 homolog; minus strand). Cytogenetic location: 14q24.3.
Variant type: single nucleotide variant.
Coding change: c.763-5T>C on transcript NM_001193315.2 (MANE Select); 5 bases into the intron before coding-DNA position 763, T replaced by C.
Molecular consequence: intron variant.
Genome position (GRCh38, 1-based): chr14:77,437,886, A>G on the plus strand (T>C on the coding strand, the complement: VIPAS39 is on the minus strand). VCF-style: chr14-77437886-A-G. GRCh37 (hg19) VCF-style: chr14-77904229-A-G.
Other names: c.523-5T>C (NM_001400337.1); c.616-5T>C (NM_001193316.2, NM_001400324.1, NM_001400325.1); c.670-5T>C (NM_001400333.1, NM_001400334.1); c.730-5T>C (NM_001400327.1); c.735-1967T>C (NM_001400338.1); c.762+3180T>C (NM_001400339.1); c.763-5T>C (NM_001400336.1, NM_001400330.1, NM_001400335.1 and 6 more transcripts).
Identifiers: ClinVar variation 4994295 (VCV004994295.1).

ClinVar aggregate classification (germline): Likely benign (1 of 4 stars; one submission).

Conditions:
VIPAS39-related disorder. Also called: VIPAS39-related condition.

Submission:

PreventionGenetics, part of Exact Sciences
Classification: Likely benign for VIPAS39-related condition. Last evaluated: 2026-08-27. Review status: criteria provided, single submitter. Criteria: ACMG Guidelines, 2015. Collection method: clinical testing. Allele origin: germline.
Comment: This variant is classified as likely benign based on ACMG/AMP sequence variant interpretation guidelines (Richards et al. 2015 PMID: 25741868, with internal and published modifications).